The following is an entry in ClinVar:

NM_005993.5(TBCD):c.3427G>A (p.Val1143Met)

Gene: TBCD (tubulin folding cofactor D). Cytogenetic location: 17q25.3.
Variant type: single nucleotide variant.
Coding change: c.3427G>A on transcript NM_005993.5 (MANE Select); coding-DNA position 3427, G replaced by A.
Protein change: p.Val1143Met; replaces valine 1143 with methionine.
Molecular consequence: missense variant.
Genome position (GRCh38, 1-based): chr17:82,939,424, G>A. VCF-style: chr17-82939424-G-A. GRCh37 (hg19) VCF-style: chr17-80897300-G-A.
Other names: p.Val1143Met; c.3376G>A, p.Val1126Met (NM_001411101.1); c.3346G>A, p.Val1116Met (NM_001411102.1); c.3070G>A, p.Val1024Met (NM_001437989.1); c.3238G>A, p.Val1080Met (NM_001438250.1); short protein forms V1080M, V1024M, V1116M, V1126M, V1143M.
Identifiers: ClinVar variation 4542240 (VCV004542240.1).

ClinVar aggregate classification (germline): Uncertain significance (1 of 4 stars; one submission).

gnomAD v4.1: 5 of 1,613,522 alleles (0.00031%); highest among the groups gnomAD compares: Admixed American, 0.0017%; no homozygotes.

Submission:

Mayo Clinic Laboratories, Mayo Clinic
Classification: Uncertain significance. Last evaluated: 2025-02-23. Review status: criteria provided, single submitter. Criteria: ACMG Guidelines, 2015. Collection method: clinical testing. Allele origin: germline. Observed: 1 variant allele.
Comment: BP4